The following is an entry in ClinVar:

NM_172107.4(KCNQ2):c.1218-180G>A

Gene: KCNQ2 (potassium voltage-gated channel subfamily Q member 2; minus strand). Cytogenetic location: 20q13.33.
Variant type: single nucleotide variant.
Coding change: c.1218-180G>A on transcript NM_172107.4 (MANE Select); 180 bases into the intron before coding-DNA position 1218, G replaced by A.
Molecular consequence: intron variant.
Genome position (GRCh38, 1-based): chr20:63,424,386, C>T on the plus strand (G>A on the coding strand, the complement: KCNQ2 is on the minus strand). VCF-style: chr20-63424386-C-T. GRCh37 (hg19) VCF-style: chr20-62055739-C-T.
Other names: c.1188-180G>A (NM_004518.6); c.1218-180G>A (NM_172108.5, NM_172106.3).
Identifiers: ClinVar variation 682050 (VCV000682050.1), dbSNP rs2302514, ClinGen allele CA14855308.

ClinVar aggregate classification (germline): Benign (1 of 4 stars; one submission).

Allele frequency attached by ClinVar (database versions not stated): gnomAD exomes 0.07195; gnomAD 0.09383 and 0.09723; TOPMed 0.11347; 1000 Genomes Project 30x 0.19457; 1000 Genomes Project 0.19529.
gnomAD v4.1: 53,624 of 688,958 alleles (7.8%); highest among the groups gnomAD compares: East Asian, 55%; 7,639 homozygotes.

Submission:

GeneDx
Classification: Benign. Last evaluated: 2018-06-14. Review status: criteria provided, single submitter. Criteria: GeneDx Variant Classification (06012015). Collection method: clinical testing. Allele origin: germline. Affected: yes.
Comment: This variant is considered likely benign or benign based on one or more of the following criteria: it is a conservative change, it occurs at a poorly conserved position in the protein, it is predicted to be benign by multiple in silico algorithms, and/or has population frequency not consistent with disease.